The following is an entry in ClinVar:

ClinVar aggregate classification (germline): Uncertain significance. Review status: criteria provided, multiple submitters, no conflicts (2 of 4 stars). 2 submissions from 2 submitters: Uncertain significance (2). Last evaluated 2025-12-03.

Conditions:
Left ventricular noncompaction 2. Also called: LVNC2. Identifiers: Orphanet 54260, MedGen C1836118, MONDO:0012285, OMIM 609470.

Allele frequency attached by ClinVar (database versions not stated): gnomAD 0.00001; gnomAD exomes 0.00001; TOPMed 0.00001; ExAC 0.00002.
gnomAD v4.1: 9 of 1,613,054 alleles (0.00056%); highest among the groups gnomAD compares: Admixed American, 0.0033%; no homozygotes.

Submissions (2):

Women's Health and Genetics/Laboratory Corporation of America, LabCorp
Classification: Uncertain significance. Last evaluated: 2025-12-03. Review status: criteria provided, single submitter. Criteria: LabCorp Variant Classification Summary - May 2015. Collection method: clinical testing. Allele origin: germline.
Comment: Variant summary: TTN c.35168C>T (p.Ala11723Val) results in a non-conservative amino acid change located in the I-band region of the encoded protein sequence. Algorithms developed to predict the effect of missense changes on protein structure and function are either unavailable or do not agree on the potential impact of this missense change. The variant allele was found at a frequency of 1.2e-05 in 248380 control chromosomes. The available data on variant occurrences in the general population are insufficient to allow any conclusion about variant significance. To our knowledge, no occurrence of c.35168C>T in individuals affected with TTN-related conditions and no experimental evidence demonstrating its impact on protein function have been reported. ClinVar contains an entry for this variant (Variation ID: 1031089). Based on the evidence outlined above, the variant was classified as uncertain significance.

Baylor Genetics
Classification: Uncertain significance for Left ventricular noncompaction 2. Last evaluated: 2019-08-05. Review status: criteria provided, single submitter. Criteria: ACMG Guidelines, 2015. Collection method: clinical testing. Allele origin: unknown. Affected: yes.
Comment: This variant was determined to be of uncertain significance according to ACMG Guidelines, 2015 [PMID:25741868].

NM_001267550.2(TTN):c.42872C>T (p.Ala14291Val)

Gene: TTN (titin; minus strand). Cytogenetic location: 2q31.2.
Variant type: single nucleotide variant.
Coding change: c.42872C>T on transcript NM_001267550.2 (MANE Select); coding-DNA position 42872, C replaced by T.
Protein change: p.Ala14291Val; replaces alanine 14291 with valine.
Molecular consequence: missense variant.
Genome position (GRCh38, 1-based): chr2:178,633,487, G>A on the plus strand (C>T on the coding strand, the complement: TTN is on the minus strand). VCF-style: chr2-178633487-G-A. GRCh37 (hg19) VCF-style: chr2-179498214-G-A.
Other names: c.37949C>T, p.Ala12650Val (NM_001256850.1); c.15677C>T, p.Ala5226Val (NM_003319.4); c.35168C>T, p.Ala11723Val (NM_133378.4); c.16052C>T, p.Ala5351Val (NM_133432.3); c.16253C>T, p.Ala5418Val (NM_133437.4); short protein forms A12650V, A5351V, A14291V, A5418V, A11723V, A5226V.
Identifiers: ClinVar variation 1031089 (VCV001031089.2), dbSNP rs746486506, ClinGen allele CA1996001.